The following is an entry in ClinVar:

ClinVar aggregate classification (germline): Uncertain significance. Review status: criteria provided, multiple submitters, no conflicts (2 of 4 stars). 3 submissions from 3 submitters: Uncertain significance (3). Last evaluated 2024-05-20.

Conditions:
Familial temporal lobe epilepsy 7. Identifiers: Orphanet 101046, MedGen C4225327, MONDO:0014639, OMIM 616436.
Norman-Roberts syndrome (LIS2). Also called: Lissencephaly 2 (Norman-Roberts type). Identifiers: Orphanet 89844, MedGen C0796089, MONDO:0009760, OMIM 257320.

Submissions (3):

Blueprint Genetics
Classification: Uncertain significance. Last evaluated: 2024-05-20. Review status: criteria provided, single submitter. Criteria: ACMG Guidelines, 2015. Collection method: clinical testing. Allele origin: germline.

Labcorp Genetics (formerly Invitae), Labcorp
Classification: Uncertain significance for Familial temporal lobe epilepsy 7; Norman-Roberts syndrome. Last evaluated: 2022-09-01. Review status: criteria provided, single submitter. Criteria: Invitae Variant Classification Sherloc (09022015). Collection method: clinical testing. Allele origin: germline.
Comment: In summary, the available evidence is currently insufficient to determine the role of this variant in disease. Therefore, it has been classified as a Variant of Uncertain Significance. Algorithms developed to predict the effect of missense changes on protein structure and function are either unavailable or do not agree on the potential impact of this missense change (SIFT: "Deleterious"; PolyPhen-2: "Probably Damaging"; Align-GVGD: "Class C0"). ClinVar contains an entry for this variant (Variation ID: 475991). This variant has not been reported in the literature in individuals affected with RELN-related conditions. This variant is not present in population databases (gnomAD no frequency). This sequence change replaces cysteine, which is neutral and slightly polar, with phenylalanine, which is neutral and non-polar, at codon 2732 of the RELN protein (p.Cys2732Phe).

Centre for Mendelian Genomics, University Medical Centre Ljubljana
Classification: Uncertain significance for Familial temporal lobe epilepsy 7. Last evaluated: 2016-01-01. Review status: criteria provided, single submitter. Criteria: ACMG Guidelines, 2015. Collection method: clinical testing. Allele origin: unknown. Affected: yes.
Comment: This variant was classified as: Uncertain significance. The following ACMG criteria were applied in classifying this variant: PM2,PP3.

NM_005045.4(RELN):c.8195G>T (p.Cys2732Phe)

Genes: RELN (reelin; minus strand), SLC26A5-AS1 (SLC26A5 antisense RNA 1; plus strand). Cytogenetic location: 7q22.1.
Variant type: single nucleotide variant.
Coding change: c.8195G>T on transcript NM_005045.4 (MANE Select); coding-DNA position 8195, G replaced by T.
Protein change: p.Cys2732Phe; replaces cysteine 2732 with phenylalanine.
Molecular consequence: missense variant.
Genome position (GRCh38, 1-based): chr7:103,510,930, C>A on the plus strand (G>T on the coding strand, the complement: RELN is on the minus strand). VCF-style: chr7-103510930-C-A. GRCh37 (hg19) VCF-style: chr7-103151377-C-A.
Other names: c.8195G>T, p.Cys2732Phe (NM_173054.3); short protein forms C2732F.
Identifiers: ClinVar variation 475991 (VCV000475991.14), dbSNP rs777843062, ClinGen allele CA368761467.